The following is an entry in ClinVar:

ClinVar aggregate classification (germline): Uncertain significance (1 of 4 stars; one submission).

Conditions:
Inborn genetic diseases. Identifiers: MedGen C0950123, MeSH D030342.

gnomAD v4.1: 1 of 1,609,656 alleles (0.000062%); highest among the groups gnomAD compares: East Asian, 0.0022%; no homozygotes.

Submission:

Ambry Genetics
Classification: Uncertain significance for Inborn genetic diseases. Last evaluated: 2026-07-15. Review status: criteria provided, single submitter. Criteria: Ambry Variant Classification Scheme 2023. Collection method: clinical testing. Allele origin: germline.
Comment: The p.I233V variant (also known as c.697A>G), located in coding exon 4 of the KDM1A gene, results from an A to G substitution at nucleotide position 697. The isoleucine at codon 233 is replaced by valine, an amino acid with highly similar properties. This amino acid position is conserved. In addition, this alteration is predicted to be tolerated by in silico analysis. Based on the available evidence, the clinical significance of this variant remains unclear.

NM_001009999.3(KDM1A):c.697A>G (p.Ile233Val)

Gene: KDM1A (lysine demethylase 1A; plus strand). Cytogenetic location: 1p36.12.
Variant type: single nucleotide variant.
Coding change: c.697A>G on transcript NM_001009999.3 (MANE Select); coding-DNA position 697, A replaced by G.
Protein change: p.Ile233Val; replaces isoleucine 233 with valine.
Molecular consequence: missense variant.
Genome position (GRCh38, 1-based): chr1:23,050,506, A>G. VCF-style: chr1-23050506-A-G. GRCh37 (hg19) VCF-style: chr1-23376999-A-G.
Other names: c.637A>G, p.Ile213Val (NM_001363654.2, NM_001410763.1, NM_015013.4); c.697A>G, p.Ile233Val (NM_001410762.1); short protein forms I213V, I233V.
Identifiers: ClinVar variation 5023074 (VCV005023074.1).